The following is an entry in ClinVar:

ClinVar aggregate classification (germline): Uncertain significance (1 of 4 stars; one submission).

Conditions:
Inborn genetic diseases. Identifiers: MedGen C0950123, MeSH D030342.

Submission:

Ambry Genetics
Classification: Uncertain significance for Inborn genetic diseases. Last evaluated: 2018-09-29. Review status: criteria provided, single submitter. Criteria: Ambry Variant Classification Scheme 2023. Collection method: clinical testing. Allele origin: germline.
Comment: The p.T504I variant (also known as c.1511C>T), located in coding exon 13 of the PACS1 gene, results from a C to T substitution at nucleotide position 1511. The threonine at codon 504 is replaced by isoleucine, an amino acid with similar properties. This amino acid position is well conserved in available vertebrate species. In addition, this alteration is predicted to be tolerated by in silico analysis. Since supporting evidence is limited at this time, the clinical significance of this alteration remains unclear.

NM_018026.4(PACS1):c.1511C>T (p.Thr504Ile)

Gene: PACS1 (phosphofurin acidic cluster sorting protein 1; plus strand). Cytogenetic location: 11q13.2.
Variant type: single nucleotide variant.
Coding change: c.1511C>T on transcript NM_018026.4 (MANE Select); coding-DNA position 1511, C replaced by T.
Protein change: p.Thr504Ile; replaces threonine 504 with isoleucine.
Molecular consequence: missense variant.
Genome position (GRCh38, 1-based): chr11:66,230,825, C>T. VCF-style: chr11-66230825-C-T. GRCh37 (hg19) VCF-style: chr11-65998296-C-T.
Other names: short protein forms T504I.
Identifiers: ClinVar variation 1774215 (VCV001774215.2), dbSNP rs2495581446, ClinGen allele CA381367086.